The following is an entry in ClinVar:

NM_001369.3(DNAH5):c.13718A>G (p.Asn4573Ser)

Gene: DNAH5 (dynein axonemal heavy chain 5; minus strand). Cytogenetic location: 5p15.2.
Variant type: single nucleotide variant.
Coding change: c.13718A>G on transcript NM_001369.3 (MANE Select); coding-DNA position 13718, A replaced by G.
Protein change: p.Asn4573Ser; replaces asparagine 4573 with serine.
Molecular consequence: missense variant.
Genome position (GRCh38, 1-based): chr5:13,700,645, T>C on the plus strand (A>G on the coding strand, the complement: DNAH5 is on the minus strand). VCF-style: chr5-13700645-T-C. GRCh37 (hg19) VCF-style: chr5-13700754-T-C.
Other names: short protein forms N4573S.
Identifiers: ClinVar variation 2038894 (VCV002038894.6), dbSNP rs1375781764, ClinGen allele CA359190618.

ClinVar aggregate classification (germline): Conflicting classifications of pathogenicity. Review status: criteria provided, conflicting classifications (1 of 4 stars). 2 submissions from 2 submitters: Uncertain significance (1); Likely benign (1). Last evaluated 2025-12-19.

Conditions:
Primary ciliary dyskinesia. Also called: Ciliary dyskinesia. Identifiers: Orphanet 244, MedGen C0008780, MONDO:0016575, HP:0012265.

Allele frequency attached by ClinVar (database versions not stated): gnomAD exomes 0.00001; TOPMed 0.00002; gnomAD 0.00003.
gnomAD v4.1: 16 of 1,613,928 alleles (0.00099%); highest among the groups gnomAD compares: African/African-American, 0.008%; no homozygotes.

Submissions (2):

Ambry Genetics
Classification: Uncertain significance for Primary ciliary dyskinesia. Last evaluated: 2025-12-19. Review status: criteria provided, single submitter. Criteria: Ambry Variant Classification Scheme 2023. Collection method: clinical testing. Allele origin: germline.
Comment: The p.N4573S variant (also known as c.13718A>G), located in coding exon 78 of the DNAH5 gene, results from an A to G substitution at nucleotide position 13718. The asparagine at codon 4573 is replaced by serine, an amino acid with highly similar properties. This amino acid position is conserved. In addition, this alteration is predicted to be tolerated by in silico analysis. Based on the available evidence, the clinical significance of this variant remains unclear.

Labcorp Genetics (formerly Invitae), Labcorp
Classification: Likely benign for Primary ciliary dyskinesia. Last evaluated: 2024-02-29. Review status: criteria provided, single submitter. Criteria: Invitae Variant Classification Sherloc (09022015). Collection method: clinical testing. Allele origin: germline.